The following is an entry in ClinVar:

ClinVar aggregate classification (germline): Conflicting classifications of pathogenicity. Review status: criteria provided, conflicting classifications (1 of 4 stars). 5 submissions from 5 submitters: Uncertain significance (2); Likely benign (2). 1 of the submissions does not count toward it. Last evaluated 2025-11-03.

Conditions:
Hereditary cancer-predisposing syndrome. Also called: Hereditary Cancer Syndrome; Neoplastic Syndromes, Hereditary; Tumor predisposition; Hereditary neoplastic syndrome. Identifiers: Orphanet 140162, MedGen C0027672, MeSH D009386, MONDO:0015356.
Hereditary breast ovarian cancer syndrome. Also called: Hereditary breast and ovarian cancer; Hereditary breast and ovarian cancer syndrome; Breast and ovarian cancer; Hereditary breast and ovarian cancer syndrome (HBOC); Hereditary breast and/or ovarian cancer syndrome; BRCA1- and BRCA2-Associated Hereditary Breast and Ovarian Cancer. Identifiers: Orphanet 145, MedGen C0677776, MeSH D061325, MONDO:0003582. Disease mechanism: loss of function.
BRCA2-related disorder. Also called: BRCA2-related condition; BRCA2-related disorders. Identifiers: MedGen CN239275.
Breast-ovarian cancer, familial, susceptibility to, 2 (BROVCA2). Also called: BRCA2 Hereditary Breast and Ovarian Cancer. Identifiers: Orphanet 145, MedGen C2675520, MONDO:0012933, OMIM 612555. Disease mechanism: loss of function.

gnomAD v4.1: 2 of 1,612,810 alleles (0.00012%); highest among the groups gnomAD compares: Non-Finnish European, 0.000085%; no homozygotes.

Submissions (5):

Labcorp Genetics (formerly Invitae), Labcorp
Classification: Uncertain significance for Hereditary breast ovarian cancer syndrome. Last evaluated: 2025-11-03. Review status: criteria provided, single submitter. Criteria: Invitae Variant Classification Sherloc (09022015). Collection method: clinical testing. Allele origin: germline.
Comment: This sequence change replaces asparagine, which is neutral and polar, with tyrosine, which is neutral and polar, at codon 679 of the BRCA2 protein (p.Asn679Tyr). This variant is not present in population databases (gnomAD no frequency). This variant has not been reported in the literature in individuals affected with BRCA2-related conditions. ClinVar contains an entry for this variant (Variation ID: 185994). Invitae Evidence Modeling of protein sequence and biophysical properties (such as structural, functional, and spatial information, amino acid conservation, physicochemical variation, residue mobility, and thermodynamic stability) indicates that this missense variant is not expected to disrupt BRCA2 protein function with a negative predictive value of 95%. In summary, the available evidence is currently insufficient to determine the role of this variant in disease. Therefore, it has been classified as a Variant of Uncertain Significance.

Ambry Genetics
Classification: Uncertain significance for Hereditary cancer-predisposing syndrome. Last evaluated: 2025-08-08. Review status: criteria provided, single submitter. Criteria: Ambry Variant Classification Scheme 2023. Collection method: clinical testing. Allele origin: germline.
Comment: The p.N679Y variant (also known as c.2035A>T), located in coding exon 10 of the BRCA2 gene, results from an A to T substitution at nucleotide position 2035. The asparagine at codon 679 is replaced by tyrosine, an amino acid with dissimilar properties. This amino acid position is not well conserved in available vertebrate species. In addition, the in silico prediction for this alteration is inconclusive. Since supporting evidence is limited at this time, the clinical significance of this alteration remains unclear.

Myriad Genetics, Inc.
Classification: Likely benign for Breast-ovarian cancer, familial, susceptibility to, 2. Last evaluated: 2025-02-20. Review status: criteria provided, single submitter. Criteria: Myriad Autosomal Dominant, Autosomal Recessive and X-Linked Classification Criteria (2023). Collection method: clinical testing. Allele origin: unknown.
Comment: This variant is considered likely benign. This variant is strongly associated with less severe personal and family histories of cancer, typical for individuals without pathogenic variants in this gene [PMID: 25085752].

University of Washington Department of Laboratory Medicine, University of Washington
Classification: Likely benign for Hereditary cancer-predisposing syndrome. Last evaluated: 2023-03-23. Review status: criteria provided, single submitter. Criteria: Dines et al. (Genet Med. 2020). Collection method: curation. Allele origin: germline.
Comment: Missense variant in a coldspot region where missense variants are very unlikely to be pathogenic (PMID:31911673).

BRCA2 exon 11 coldspot. Reclassification based on statistical prior probability.

PreventionGenetics, part of Exact Sciences
Classification: Uncertain significance for BRCA2-related condition. Last evaluated: 2024-03-21. Review status: no assertion criteria provided. Collection method: clinical testing. Allele origin: germline. Not counted in ClinVar's aggregate classification.
Comment: The BRCA2 c.2035A>T variant is predicted to result in the amino acid substitution p.Asn679Tyr. To our knowledge, this variant has not been reported in the literature or in a large population database, indicating this variant is rare. This variant occurs within a region of the BRCA2 gene that is predicted to be tolerant to missense variation (Table 2, Dines et al. 2020. PubMed ID: 31911673). This variant is interpreted as a variant of uncertain significance or likely benign in ClinVar. At this time, the clinical significance of this variant is uncertain due to the absence of conclusive functional and genetic evidence.

Literature cited by the submitters: PubMed 25085752 (cited by Myriad Genetics, Inc.).

NM_000059.4(BRCA2):c.2035A>T (p.Asn679Tyr)

Gene: BRCA2 (BRCA2 DNA repair associated; plus strand). Cytogenetic location: 13q13.1.
Variant type: single nucleotide variant.
Coding change: c.2035A>T on transcript NM_000059.4 (MANE Select); coding-DNA position 2035, A replaced by T.
Protein change: p.Asn679Tyr; replaces asparagine 679 with tyrosine.
Molecular consequence: missense variant.
Genome position (GRCh38, 1-based): chr13:32,336,390, A>T. VCF-style: chr13-32336390-A-T. GRCh37 (hg19) VCF-style: chr13-32910527-A-T.
Other names: short protein forms N679Y.
Identifiers: ClinVar variation 185994 (VCV000185994.21), dbSNP rs786202617, ClinGen allele CA014176.